The following is an entry in ClinVar:

NM_001375524.1(TRRAP):c.9516C>T (p.Gly3172=)

Gene: TRRAP (transformation/transcription domain associated protein; plus strand). Cytogenetic location: 7q22.1.
Variant type: single nucleotide variant.
Coding change: c.9516C>T on transcript NM_001375524.1 (MANE Select); coding-DNA position 9516, C replaced by T.
Protein change: p.Gly3172=; no amino-acid change (glycine 3172 retained).
Molecular consequence: synonymous variant.
Genome position (GRCh38, 1-based): chr7:98,988,891, C>T. VCF-style: chr7-98988891-C-T. GRCh37 (hg19) VCF-style: chr7-98586514-C-T.
Other names: c.9441C>T (NM_003496.3); c.9528C>T, p.Gly3176= (NM_001244580.2); c.9441C>T, p.Gly3147= (NM_003496.4).
Identifiers: ClinVar variation 3713708 (VCV003713708.3).

ClinVar aggregate classification (germline): Likely benign. Review status: criteria provided, multiple submitters, no conflicts (2 of 4 stars). 2 submissions from 2 submitters: Likely benign (2). Last evaluated 2025-09-17.

Conditions:
TRRAP-related disorder. Also called: TRRAP-related condition.

gnomAD v4.1: 92 of 1,613,972 alleles (0.0057%); highest among the groups gnomAD compares: Non-Finnish European, 0.0075%; no homozygotes.

Submissions (2):

PreventionGenetics, part of Exact Sciences
Classification: Likely benign for TRRAP-related condition. Last evaluated: 2025-09-17. Review status: criteria provided, single submitter. Criteria: ACMG Guidelines, 2015. Collection method: clinical testing. Allele origin: germline.
Comment: This variant is classified as likely benign based on ACMG/AMP sequence variant interpretation guidelines (Richards et al. 2015 PMID: 25741868, with internal and published modifications).

Labcorp Genetics (formerly Invitae), Labcorp
Classification: Likely benign. Last evaluated: 2024-05-01. Review status: criteria provided, single submitter. Criteria: Invitae Variant Classification Sherloc (09022015). Collection method: clinical testing. Allele origin: germline.